The following is an entry in ClinVar:

ClinVar aggregate classification (germline): Conflicting classifications of pathogenicity. Review status: criteria provided, conflicting classifications (1 of 4 stars). 4 submissions from 4 submitters: Uncertain significance (2); Likely benign (2). Last evaluated 2026-01-28.

Conditions:
Episodic ataxia type 2 (EA2). Also called: ATAXIA, EPISODIC, WITH NYSTAGMUS; ATAXIA, FAMILIAL PAROXYSMAL; CEREBELLAR ATAXIA, PAROXYSMAL, ACETAZOLAMIDE-RESPONSIVE; CEREBELLOPATHY, HEREDITARY PAROXYSMAL; EPISODIC ATAXIA, NYSTAGMUS-ASSOCIATED; ACETAZOLAMIDE-RESPONSIVE HEREDITARY PAROXYSMAL CEREBELLAR ATAXIA. Identifiers: Orphanet 97, MedGen C1720416, MONDO:0007163, OMIM 108500.
Developmental and epileptic encephalopathy, 42 (DEE42A). Also called: Epileptic encephalopathy, early infantile, 42; DEVELOPMENTAL AND EPILEPTIC ENCEPHALOPATHY 42A; EPILEPTIC ENCEPHALOPATHY, EARLY INFANTILE, 42A. Identifiers: MedGen C4310716, MONDO:0014917, OMIM 617106.
Inborn genetic diseases. Identifiers: MedGen C0950123, MeSH D030342.

Allele frequency attached by ClinVar (database versions not stated): 1000 Genomes Project 30x 0.00016; 1000 Genomes Project 0.00020; ESP Exome Variant Server 0.00033.
gnomAD v4.1: 101 of 1,494,858 alleles (0.0068%); highest among the groups gnomAD compares: Middle Eastern, 0.018%; no homozygotes.

Submissions (4):

Labcorp Genetics (formerly Invitae), Labcorp
Classification: Likely benign for Developmental and epileptic encephalopathy, 42; Episodic ataxia type 2. Last evaluated: 2026-01-28. Review status: criteria provided, single submitter. Criteria: Invitae Variant Classification Sherloc (09022015). Collection method: clinical testing. Allele origin: germline.

GeneDx
Classification: Uncertain significance. Last evaluated: 2024-08-19. Review status: criteria provided, single submitter. Criteria: GeneDx Variant Classification Process June 2021. Collection method: clinical testing. Allele origin: germline. Affected: yes.
Comment: In silico analysis supports that this missense variant has a deleterious effect on protein structure/function; Has not been previously published as pathogenic or benign to our knowledge

Athena Diagnostics
Classification: Uncertain significance. Last evaluated: 2024-08-01. Review status: criteria provided, single submitter. Criteria: Athena Diagnostics Criteria. Collection method: clinical testing. Allele origin: unknown.
Comment: Available data are insufficient to determine the clinical significance of the variant at this time. The frequency of this variant in the general population is uninformative in assessment of its pathogenicity. Polyphen and MutationTaster yielded discordant predictions regarding whether this amino acid change is damaging to the protein.

Ambry Genetics
Classification: Likely benign for Inborn genetic diseases. Last evaluated: 2019-03-28. Review status: criteria provided, single submitter. Criteria: Ambry Variant Classification Scheme 2023. Collection method: clinical testing. Allele origin: germline.

NM_001127222.2(CACNA1A):c.3530C>G (p.Pro1177Arg)

Gene: CACNA1A (calcium voltage-gated channel subunit alpha1 A; minus strand). Cytogenetic location: 19p13.13.
Variant type: single nucleotide variant.
Coding change: c.3530C>G on transcript NM_001127222.2 (MANE Select); coding-DNA position 3530, C replaced by G.
Protein change: p.Pro1177Arg; replaces proline 1177 with arginine.
Molecular consequence: missense variant.
Genome position (GRCh38, 1-based): chr19:13,286,526, G>C on the plus strand (C>G on the coding strand, the complement: CACNA1A is on the minus strand). VCF-style: chr19-13286526-G-C. GRCh37 (hg19) VCF-style: chr19-13397340-G-C.
Other names: c.3542C>G, p.Pro1181Arg (NM_000068.4, NM_023035.3); c.3533C>G, p.Pro1178Arg (NM_001127221.2, NM_001174080.2); c.3533C>G (NM_000068.2); short protein forms P1178R, P1177R, P1181R.
Identifiers: ClinVar variation 422250 (VCV000422250.15), dbSNP rs201789073, ClinGen allele CA9240297.